The following is an entry in ClinVar:

ClinVar aggregate classification (germline): Uncertain significance. Review status: criteria provided, single submitter (1 of 4 stars). 2 submissions from 2 submitters: Uncertain significance (1). 1 of the submissions does not count toward it. Last evaluated 2019-02-25.

Conditions:
Usher syndrome type 1F (USH1F). Also called: USHER SYNDROME, TYPE IF. Identifiers: Orphanet 231169, Orphanet 886, MedGen C1865885, MONDO:0011186, OMIM 602083.

Allele frequency attached by ClinVar (database versions not stated): TOPMed 0.00001; gnomAD exomes 0.00002; ExAC 0.00003; ESP Exome Variant Server 0.00010.
gnomAD v4.1: 10 of 1,569,338 alleles (0.00064%); highest among the groups gnomAD compares: South Asian, 0.0012%; no homozygotes.

Submissions (2):

ARUP Laboratories, Molecular Genetics and Genomics, ARUP Laboratories
Classification: Uncertain significance. Last evaluated: 2019-02-25. Review status: criteria provided, single submitter. Criteria: ARUP Molecular Germline Variant Investigation Process. Collection method: clinical testing. Allele origin: germline.
Comment: The PCDH15 c.5068C>T; p.Gln1690Ter variant (rs368397508), to our knowledge, has not been reported in the medical literature; however, this variant is listed in the ClinVar database as a variant of uncertain significance (Variation ID: 553502; reported as NM_033056.3(PCDH15):c.*12861C>T). This variant introduces an early termination codon in the terminal exon (37/37) of the NM_001142769.1 (CD2.1) transcript, which may not lead to nonsense-mediated decay, and it is expected to truncate the mature peptide by 6%. When annotated using the NM_033056.3 transcript (which encodes the longest peptide), this variant is positioned downstream of the 3' UTR. The c.5068C>T variant is found in the non-Finnish European population with an allele frequency of 0.004% (3/75,182 alleles) in the Genome Aggregation Database. Due to limited information, the clinical significance of this variant is uncertain.

Counsyl
Classification: Uncertain significance for Usher syndrome type 1F. Last evaluated: 2017-08-22. Review status: no assertion criteria provided. Collection method: clinical testing. Allele origin: unknown. Not counted in ClinVar's aggregate classification.

NM_001384140.1(PCDH15):c.4671+1559C>T

Gene: PCDH15 (protocadherin related 15; minus strand). Cytogenetic location: 10q21.1.
Variant type: single nucleotide variant.
Coding change: c.4671+1559C>T on transcript NM_001384140.1 (MANE Select); 1559 bases into the intron after coding-DNA position 4671, C replaced by T.
Molecular consequence: intron variant. On other transcripts: 3 prime UTR variant (1), nonsense (2).
Genome position (GRCh38, 1-based): chr10:53,808,997, G>A on the plus strand (C>T on the coding strand, the complement: PCDH15 is on the minus strand). VCF-style: chr10-53808997-G-A. GRCh37 (hg19) VCF-style: chr10-55568757-G-A.
Other names: c.*483C>T (NM_001142770.3); c.5047C>T, p.Gln1683Ter (NM_001354411.2); c.4476+1559C>T (NM_001354420.2); c.4605+1559C>T (NM_001354429.2); c.4482+1559C>T (NM_001142772.2); c.4497+1559C>T (NM_001142771.2); c.5068C>T, p.Gln1690Ter (NM_001142769.4); short protein forms Q1690*, Q1683*.
Identifiers: ClinVar variation 553502 (VCV000553502.9), dbSNP rs368397508, ClinGen allele CA5504734.